The following is an entry in ClinVar:

NM_001042492.3(NF1):c.6691G>C (p.Glu2231Gln)

Gene: NF1 (neurofibromin 1; plus strand). Cytogenetic location: 17q11.2.
Variant type: single nucleotide variant.
Coding change: c.6691G>C on transcript NM_001042492.3 (MANE Select); coding-DNA position 6691, G replaced by C.
Protein change: p.Glu2231Gln; replaces glutamic acid 2231 with glutamine.
Molecular consequence: missense variant.
Genome position (GRCh38, 1-based): chr17:31,337,867, G>C. VCF-style: chr17-31337867-G-C. GRCh37 (hg19) VCF-style: chr17-29664885-G-C.
Other names: c.6628G>C, p.Glu2210Gln (NM_000267.4); short protein forms E2231Q, E2210Q.
Identifiers: ClinVar variation 1754549 (VCV001754549.2), dbSNP rs1024484381, ClinGen allele CA399013918.

ClinVar aggregate classification (germline): Uncertain significance (1 of 4 stars; one submission).

Conditions:
Cardiovascular phenotype. Identifiers: MedGen CN230736.
Hereditary cancer-predisposing syndrome. Also called: Neoplastic Syndromes, Hereditary; Tumor predisposition; Hereditary Cancer Syndrome; Hereditary neoplastic syndrome. Identifiers: Orphanet 140162, MedGen C0027672, MeSH D009386, MONDO:0015356.

Submission:

Ambry Genetics
Classification: Uncertain significance for Cardiovascular phenotype; Hereditary cancer-predisposing syndrome. Last evaluated: 2020-06-11. Review status: criteria provided, single submitter. Criteria: Ambry Variant Classification Scheme 2023. Collection method: clinical testing. Allele origin: germline.
Comment: The p.E2210Q variant (also known as c.6628G>C), located in coding exon 43 of the NF1 gene, results from a G to C substitution at nucleotide position 6628. The glutamic acid at codon 2210 is replaced by glutamine, an amino acid with highly similar properties. This amino acid position is highly conserved in available vertebrate species. In addition, the in silico prediction for this alteration is inconclusive. Since supporting evidence is limited at this time, the clinical significance of this alteration remains unclear.